The following is an entry in ClinVar:

NM_000525.4(KCNJ11):c.490C>A (p.Leu164Ile)

Gene: KCNJ11 (potassium inwardly rectifying channel subfamily J member 11; minus strand). Cytogenetic location: 11p15.1.
Variant type: single nucleotide variant.
Coding change: c.490C>A on transcript NM_000525.4 (MANE Select); coding-DNA position 490, C replaced by A.
Protein change: p.Leu164Ile; replaces leucine 164 with isoleucine.
Molecular consequence: missense variant.
Genome position (GRCh38, 1-based): chr11:17,387,602, G>T on the plus strand (C>A on the coding strand, the complement: KCNJ11 is on the minus strand). VCF-style: chr11-17387602-G-T. GRCh37 (hg19) VCF-style: chr11-17409149-G-T.
Other names: c.229C>A, p.Leu77Ile (NM_001166290.2, NM_001377296.1, NM_001377297.1); short protein forms L164I, L77I.
Identifiers: ClinVar variation 1679522 (VCV001679522.1), dbSNP rs1554901796, ClinGen allele CA379773266.

ClinVar aggregate classification (germline): Uncertain significance (1 of 4 stars; one submission).

Conditions:
Maturity-onset diabetes of the young (MODY). Also called: Maturity onset diabetes mellitus in young. Identifiers: Orphanet 552, MedGen C0342276, MONDO:0018911, HP:0004904.

Submission:

Clinical Genomics, Uppaluri K&H Personalized Medicine Clinic
Classification: Uncertain significance for Maturity-onset diabetes of the young. Review status: criteria provided, single submitter. Criteria: K & H Uppaluri Personalized Medicine Clinic Variant Classification & Assertion Criteria_Updated V.1. Collection method: research. Allele origin: somatic. Inheritance: Autosomal dominant inheritance.
Comment: Mutations in KCNJ11 gene can cause decreased production and secretion of insulin. This can lead to MODY which may be responsive to oral sulfonylureas. It is also associated with Neonatal Diabetes. However, no sufficient evidence is found to ascertain the role of this particular variant (rs1554901796) in MODY yet.

Literature cited by the submitters: PubMed 26448950; PubMed 15580558; PubMed 15718250; PubMed 32935446; PubMed 22701567.